The following is an entry in ClinVar:

NM_020922.5(WNK3):c.101C>G (p.Thr34Arg)

Gene: WNK3 (WNK lysine deficient protein kinase 3; minus strand). Cytogenetic location: Xp11.22.
Variant type: single nucleotide variant.
Coding change: c.101C>G on transcript NM_020922.5 (MANE Select); coding-DNA position 101, C replaced by G.
Protein change: p.Thr34Arg; replaces threonine 34 with arginine.
Molecular consequence: missense variant.
Genome position (GRCh38, 1-based): chrX:54,333,573, G>C on the plus strand (C>G on the coding strand, the complement: WNK3 is on the minus strand). VCF-style: chrX-54333573-G-C. GRCh37 (hg19) VCF-style: chrX-54360006-G-C.
Other names: c.101C>G, p.Thr34Arg (NM_001002838.4, NM_001395166.1); short protein forms T34R.
Identifiers: ClinVar variation 4077302 (VCV004077302.1).

ClinVar aggregate classification (germline): Uncertain significance (1 of 4 stars; one submission).

Submission:

GeneDx
Classification: Uncertain significance. Last evaluated: 2025-02-27. Review status: criteria provided, single submitter. Criteria: GeneDx Variant Classification Process June 2021. Collection method: clinical testing. Allele origin: germline. Affected: yes.
Comment: Not observed at significant frequency in large population cohorts (gnomAD); In silico analysis supports that this missense variant has a deleterious effect on protein structure/function; Has not been previously published as pathogenic or benign to our knowledge